The following is an entry in ClinVar:

ClinVar aggregate classification (germline): Uncertain significance (1 of 4 stars; one submission).

Conditions:
Glanzmann thrombasthenia. Also called: PLATELET GLYCOPROTEIN IIb-IIIa DEFICIENCY; BLEEDING DISORDER, PLATELET-TYPE, 2; THROMBASTHENIA OF GLANZMANN AND NAEGELI; Glanzmann's thrombasthenia; Thrombasthenia. Identifiers: Orphanet 849, MedGen C0040015, MONDO:0100326.

Submission:

Labcorp Genetics (formerly Invitae), Labcorp
Classification: Uncertain significance for Glanzmann thrombasthenia. Last evaluated: 2025-09-06. Review status: criteria provided, single submitter. Criteria: Invitae Variant Classification Sherloc (09022015). Collection method: clinical testing. Allele origin: germline.
Comment: This sequence change replaces alanine, which is neutral and non-polar, with threonine, which is neutral and polar, at codon 392 of the ITGA2B protein (p.Ala392Thr). This variant is present in population databases (rs764341397, gnomAD 0.006%). This variant has not been reported in the literature in individuals affected with ITGA2B-related conditions. Invitae Evidence Modeling of protein sequence and biophysical properties (such as structural, functional, and spatial information, amino acid conservation, physicochemical variation, residue mobility, and thermodynamic stability) has been performed for this missense variant. However, the output from this modeling did not meet the statistical confidence thresholds required to predict the impact of this variant on ITGA2B protein function. In summary, the available evidence is currently insufficient to determine the role of this variant in disease. Therefore, it has been classified as a Variant of Uncertain Significance.

NM_000419.5(ITGA2B):c.1174G>A (p.Ala392Thr)

Gene: ITGA2B (integrin subunit alpha 2b; minus strand). Cytogenetic location: 17q21.31.
Variant type: single nucleotide variant.
Coding change: c.1174G>A on transcript NM_000419.5 (MANE Select); coding-DNA position 1174, G replaced by A.
Protein change: p.Ala392Thr; replaces alanine 392 with threonine.
Molecular consequence: missense variant.
Genome position (GRCh38, 1-based): chr17:44,383,529, C>T on the plus strand (G>A on the coding strand, the complement: ITGA2B is on the minus strand). VCF-style: chr17-44383529-C-T. GRCh37 (hg19) VCF-style: chr17-42460897-C-T.
Other names: short protein forms A392T.
Identifiers: ClinVar variation 4753999 (VCV004753999.1).
Genomic context (GRCh38, chr17:44,383,529, plus strand): 5'-AGTAGGGCTCCTCTCTTCCCTCACCATTGTAGCCATCCCGGTCGAGGTCGCCCAGGGGTG[C>T]GATGGCAGAGCCGAATCGCCCATAGAGCTGTGTGCCAGTCAGCAGGAGGCTGGGGGCACC-3'
Protein context (NP_000410.2, residues 382-402): QLYGRFGSAI[Ala392Thr]PLGDLDRDGY